The following is an entry in ClinVar:

ClinVar aggregate classification (germline): Uncertain significance. Review status: criteria provided, multiple submitters, no conflicts (2 of 4 stars). 2 submissions from 2 submitters: Uncertain significance (2). Last evaluated 2025-08-18.

Allele frequency attached by ClinVar (database versions not stated): gnomAD exomes 0.00003; ExAC 0.00007; 1000 Genomes Project 30x 0.00016; gnomAD 0.00018; 1000 Genomes Project 0.00020; TOPMed 0.00029; ESP Exome Variant Server 0.00046.

Submissions (2):

Labcorp Genetics (formerly Invitae), Labcorp
Classification: Uncertain significance. Last evaluated: 2025-08-18. Review status: criteria provided, single submitter. Criteria: Invitae Variant Classification Sherloc (09022015). Collection method: clinical testing. Allele origin: germline.
Comment: This sequence change replaces lysine, which is basic and polar, with arginine, which is basic and polar, at codon 161 of the DNAJC17 protein (p.Lys161Arg). This variant is present in population databases (rs148570569, gnomAD 0.07%), and has an allele count higher than expected for a pathogenic variant. This variant has not been reported in the literature in individuals affected with DNAJC17-related conditions. ClinVar contains an entry for this variant (Variation ID: 2076941). An algorithm developed to predict the effect of missense changes on protein structure and function outputs the following: PolyPhen-2: "Benign". The arginine amino acid residue is found in multiple mammalian species, which suggests that this missense change does not adversely affect protein function. In summary, the available evidence is currently insufficient to determine the role of this variant in disease. Therefore, it has been classified as a Variant of Uncertain Significance.

Ambry Genetics
Classification: Uncertain significance. Last evaluated: 2021-08-30. Review status: criteria provided, single submitter. Criteria: Ambry Variant Classification Scheme 2023. Collection method: clinical testing. Allele origin: germline.

NM_018163.3(DNAJC17):c.482A>G (p.Lys161Arg)

Gene: DNAJC17 (DnaJ heat shock protein family (Hsp40) member C17; minus strand). Cytogenetic location: 15q15.1.
Variant type: single nucleotide variant.
Coding change: c.482A>G on transcript NM_018163.3 (MANE Select); coding-DNA position 482, A replaced by G.
Protein change: p.Lys161Arg; replaces lysine 161 with arginine.
Molecular consequence: missense variant.
Genome position (GRCh38, 1-based): chr15:40,775,593, T>C on the plus strand (A>G on the coding strand, the complement: DNAJC17 is on the minus strand). VCF-style: chr15-40775593-T-C. GRCh37 (hg19) VCF-style: chr15-41067791-T-C.
Other names: short protein forms K161R.
Identifiers: ClinVar variation 2076941 (VCV002076941.5), dbSNP rs148570569, ClinGen allele CA7485121.